The following is an entry in ClinVar:

NM_152383.5(DIS3L2):c.359A>G (p.His120Arg)

Gene: DIS3L2 (DIS3 like 3'-5' exoribonuclease 2; plus strand). Cytogenetic location: 2q37.1.
Variant type: single nucleotide variant.
Coding change: c.359A>G on transcript NM_152383.5 (MANE Select); coding-DNA position 359, A replaced by G.
Protein change: p.His120Arg; replaces histidine 120 with arginine.
Molecular consequence: missense variant. On other transcripts: non-coding transcript variant (2).
Genome position (GRCh38, 1-based): chr2:232,030,073, A>G. VCF-style: chr2-232030073-A-G. GRCh37 (hg19) VCF-style: chr2-232894783-A-G.
Other names: c.359A>G (NM_152383.4); c.359A>G, p.His120Arg (NM_001257281.2, NM_001257282.2); short protein forms H120R.
Identifiers: ClinVar variation 1438232 (VCV001438232.7), dbSNP rs779030223, ClinGen allele CA2163800.
Genomic context (GRCh38, chr2:232,030,073, plus strand): 5'-TTGCTCGTAATAGAGCCTTAAATGGGGATCTGGTGGTCGTGAAACTGCTTCCCGAGGAGC[A>G]TTGGAAGGTGAGTTAAGTTTTCCCTTTCTAATTACAGATTTCTTAGGGTCTTTCACATTC-3'
Protein context (NP_689596.4, residues 110-130): LVVVKLLPEE[His120Arg]WKVVKPESND

ClinVar aggregate classification (germline): Uncertain significance. Review status: criteria provided, multiple submitters, no conflicts (2 of 4 stars). 2 submissions from 2 submitters: Uncertain significance (2). Last evaluated 2022-12-25.

Conditions:
Perlman syndrome (PRLMNS). Identifiers: Orphanet 2849, MedGen C0796113, MONDO:0009965, OMIM 267000.
Inborn genetic diseases. Identifiers: MedGen C0950123, MeSH D030342.

Allele frequency attached by ClinVar (database versions not stated): ExAC 0.00001; gnomAD exomes 0.00001 and 0.00002.
gnomAD v4.1: 4 of 1,611,604 alleles (0.00025%); highest among the groups gnomAD compares: Admixed American, 0.005%; no homozygotes.

Submissions (2):

Labcorp Genetics (formerly Invitae), Labcorp
Classification: Uncertain significance for Perlman syndrome. Last evaluated: 2022-12-25. Review status: criteria provided, single submitter. Criteria: Invitae Variant Classification Sherloc (09022015). Collection method: clinical testing. Allele origin: germline.
Comment: In summary, the available evidence is currently insufficient to determine the role of this variant in disease. Therefore, it has been classified as a Variant of Uncertain Significance. This sequence change replaces histidine, which is basic and polar, with arginine, which is basic and polar, at codon 120 of the DIS3L2 protein (p.His120Arg). This variant is present in population databases (rs779030223, gnomAD 0.01%). This variant has not been reported in the literature in individuals affected with DIS3L2-related conditions. ClinVar contains an entry for this variant (Variation ID: 1438232). Algorithms developed to predict the effect of missense changes on protein structure and function output the following: SIFT: "Tolerated"; PolyPhen-2: "Benign"; Align-GVGD: "Class C0". The arginine amino acid residue is found in multiple mammalian species, which suggests that this missense change does not adversely affect protein function.

Ambry Genetics
Classification: Uncertain significance for Inborn genetic diseases. Last evaluated: 2022-09-29. Review status: criteria provided, single submitter. Criteria: Ambry Variant Classification Scheme 2023. Collection method: clinical testing. Allele origin: germline.